The following is an entry in ClinVar:

NM_003597.5(KLF11):c.1302G>C (p.Lys434Asn)

Gene: KLF11 (KLF transcription factor 11; plus strand). Cytogenetic location: 2p25.1.
Variant type: single nucleotide variant.
Coding change: c.1302G>C on transcript NM_003597.5 (MANE Select); coding-DNA position 1302, G replaced by C.
Protein change: p.Lys434Asn; replaces lysine 434 with asparagine.
Molecular consequence: missense variant.
Genome position (GRCh38, 1-based): chr2:10,052,270, G>C. VCF-style: chr2-10052270-G-C. GRCh37 (hg19) VCF-style: chr2-10192397-G-C.
Other names: c.1251G>C, p.Lys417Asn (NM_001177716.2, NM_001177718.2); short protein forms K417N, K434N.
Identifiers: ClinVar variation 2631380 (VCV002631380.4), dbSNP rs1661427500, ClinGen allele CA345805139.
Genomic context (GRCh38, chr2:10,052,270, plus strand): 5'-ATTTTCTCACCTCACAGGGGAGAAGCCTTTCAACTGCAGCTGGGATGGCTGTGATAAAAA[G>C]TTTGCTCGTTCGGATGAGCTGTCACGCCACCGCAGAACTCACACAGGGGAGAAGAAGTTT-3'
Protein context (NP_003588.1, residues 424-444): FNCSWDGCDK[Lys434Asn]FARSDELSRH

ClinVar aggregate classification (germline): Uncertain significance. Review status: criteria provided, multiple submitters, no conflicts (2 of 4 stars). 2 submissions from 2 submitters: Uncertain significance (2). Last evaluated 2023-07-08.

Conditions:
KLF11-related disorder. Also called: KLF11-related condition.

Allele frequency attached by ClinVar (database versions not stated): TOPMed 0.00001.

Submissions (2):

Labcorp Genetics (formerly Invitae), Labcorp
Classification: Uncertain significance. Last evaluated: 2023-07-08. Review status: criteria provided, single submitter. Criteria: Invitae Variant Classification Sherloc (09022015). Collection method: clinical testing. Allele origin: germline.
Comment: This sequence change replaces lysine, which is basic and polar, with asparagine, which is neutral and polar, at codon 434 of the KLF11 protein (p.Lys434Asn). This variant is not present in population databases (gnomAD no frequency). In summary, the available evidence is currently insufficient to determine the role of this variant in disease. Therefore, it has been classified as a Variant of Uncertain Significance. An algorithm developed to predict the effect of missense changes on protein structure and function (PolyPhen-2) suggests that this variant is likely to be disruptive. This variant has not been reported in the literature in individuals affected with KLF11-related conditions.

PreventionGenetics, part of Exact Sciences
Classification: Uncertain significance for KLF11-related condition. Last evaluated: 2023-07-06. Review status: criteria provided, single submitter. Criteria: ACMG Guidelines, 2015. Collection method: clinical testing. Allele origin: germline.
Comment: The KLF11 c.1302G>C variant is predicted to result in the amino acid substitution p.Lys434Asn. To our knowledge, this variant has not been reported in the literature or in a large population database, indicating this variant is rare. At this time, the clinical significance of this variant is uncertain due to the absence of conclusive functional and genetic evidence.